The following is an entry in ClinVar:

ClinVar aggregate classification (germline): Uncertain significance. Review status: criteria provided, multiple submitters, no conflicts (2 of 4 stars). 2 submissions from 2 submitters: Uncertain significance (2). Last evaluated 2026-01-05.

Allele frequency attached by ClinVar (database versions not stated): ExAC 0.00002; ESP Exome Variant Server 0.00008; gnomAD 0.00015; TOPMed 0.00016.

Submissions (2):

Labcorp Genetics (formerly Invitae), Labcorp
Classification: Uncertain significance. Last evaluated: 2026-01-05. Review status: criteria provided, single submitter. Criteria: Invitae Variant Classification Sherloc (09022015). Collection method: clinical testing. Allele origin: germline.
Comment: This sequence change replaces glutamic acid, which is acidic and polar, with aspartic acid, which is acidic and polar, at codon 618 of the RNF31 protein (p.Glu618Asp). This variant is present in population databases (rs368774767, gnomAD 0.05%). This variant has not been reported in the literature in individuals affected with RNF31-related conditions. ClinVar contains an entry for this variant (Variation ID: 2148368). An algorithm developed to predict the effect of missense changes on protein structure and function (PolyPhen-2) suggests that this variant is likely to be disruptive. In summary, the available evidence is currently insufficient to determine the role of this variant in disease. Therefore, it has been classified as a Variant of Uncertain Significance.

Mayo Clinic Laboratories, Mayo Clinic
Classification: Uncertain significance. Last evaluated: 2023-11-30. Review status: criteria provided, single submitter. Criteria: ACMG Guidelines, 2015. Collection method: clinical testing. Allele origin: germline. Observed: 1 variant allele.
Comment: BP4

NM_017999.5(RNF31):c.1854G>C (p.Glu618Asp)

Gene: RNF31 (ring finger protein 31; plus strand). Cytogenetic location: 14q12.
Variant type: single nucleotide variant.
Coding change: c.1854G>C on transcript NM_017999.5 (MANE Select); coding-DNA position 1854, G replaced by C.
Protein change: p.Glu618Asp; replaces glutamic acid 618 with aspartic acid.
Molecular consequence: missense variant.
Genome position (GRCh38, 1-based): chr14:24,151,601, G>C. VCF-style: chr14-24151601-G-C. GRCh37 (hg19) VCF-style: chr14-24620810-G-C.
Other names: p.Glu618Asp; c.1401G>C, p.Glu467Asp (NM_001310332.2); short protein forms E618D, E467D.
Identifiers: ClinVar variation 2148368 (VCV002148368.5), dbSNP rs368774767, ClinGen allele CA7125900.